The following is an entry in ClinVar:

NM_007294.4(BRCA1):c.4297A>G (p.Ile1433Val)

Gene: BRCA1 (BRCA1 DNA repair associated; minus strand). Cytogenetic location: 17q21.31.
Variant type: single nucleotide variant.
Coding change: c.4297A>G on transcript NM_007294.4 (MANE Select); coding-DNA position 4297, A replaced by G.
Protein change: p.Ile1433Val; replaces isoleucine 1433 with valine.
Molecular consequence: missense variant. On other transcripts: non-coding transcript variant (1).
Genome position (GRCh38, 1-based): chr17:43,082,464, T>C on the plus strand (A>G on the coding strand, the complement: BRCA1 is on the minus strand). VCF-style: chr17-43082464-T-C. GRCh37 (hg19) VCF-style: chr17-41234481-T-C.
Other names: c.4093A>G, p.Ile1365Val (NM_001407874.1, NM_001407875.1); c.4087A>G, p.Ile1363Val (NM_001407879.1, NM_001407881.1, NM_001407882.1 and 9 more transcripts); c.4084A>G, p.Ile1362Val (NM_001407907.1, NM_001407908.1, NM_001407909.1 and 12 more transcripts); c.4081A>G, p.Ile1361Val (NM_001407915.1); c.4033A>G, p.Ile1345Val (NM_001407929.1, NM_001407920.1, NM_001407921.1 and 7 more transcripts); c.4030A>G, p.Ile1344Val (NM_001407930.1, NM_001407931.1, NM_001407932.1 and 3 more transcripts); c.4027A>G, p.Ile1343Val (NM_001407934.1); c.4174A>G, p.Ile1392Val (NM_001407937.1, NM_001407677.1, NM_001407678.1 and 13 more transcripts); and 51 more; short protein forms I1433V, I1386V, I330V, I1264V, I1305V, I1321V, I1345V, I1362V.
Identifiers: ClinVar variation 186786 (VCV000186786.25), dbSNP rs541512953, ClinGen allele CA002754.

ClinVar aggregate classification (germline): Conflicting classifications of pathogenicity. Review status: criteria provided, conflicting classifications (1 of 4 stars). 6 submissions from 6 submitters: Uncertain significance (5); Likely benign (1). Last evaluated 2026-01-11.

Conditions:
Hereditary breast ovarian cancer syndrome. Also called: Hereditary breast and ovarian cancer syndrome; Hereditary breast and ovarian cancer syndrome (HBOC); BRCA1- and BRCA2-Associated Hereditary Breast and Ovarian Cancer; Breast and ovarian cancer; Hereditary breast and ovarian cancer; Hereditary breast and/or ovarian cancer syndrome. Identifiers: Orphanet 145, MedGen C0677776, MeSH D061325, MONDO:0003582. Disease mechanism: loss of function.
Hereditary cancer-predisposing syndrome. Also called: Hereditary Cancer Syndrome; Hereditary neoplastic syndrome; Tumor predisposition; Neoplastic Syndromes, Hereditary. Identifiers: Orphanet 140162, MedGen C0027672, MeSH D009386, MONDO:0015356.
Breast-ovarian cancer, familial, susceptibility to, 1 (BROVCA1). Also called: OVARIAN CANCER, SUSCEPTIBILITY TO; BRCA1 Hereditary Breast and Ovarian Cancer. Identifiers: Orphanet 145, MedGen C2676676, MONDO:0011450, OMIM 604370. Disease mechanism: loss of function.

Allele frequency attached by ClinVar (database versions not stated): ExAC 0.00001; gnomAD 0.00001 and 0.00002; gnomAD exomes 0.00001; TOPMed 0.00002; 1000 Genomes Project 0.00020; 1000 Genomes Project 30x 0.00031.
gnomAD v4.1: 6 of 1,614,180 alleles (0.00037%); highest among the groups gnomAD compares: African/African-American, 0.004%; no homozygotes.

Submissions (6):

Labcorp Genetics (formerly Invitae), Labcorp
Classification: Uncertain significance for Hereditary breast ovarian cancer syndrome. Last evaluated: 2026-01-11. Review status: criteria provided, single submitter. Criteria: Invitae Variant Classification Sherloc (09022015). Collection method: clinical testing. Allele origin: germline.
Comment: This sequence change replaces isoleucine, which is neutral and non-polar, with valine, which is neutral and non-polar, at codon 1433 of the BRCA1 protein (p.Ile1433Val). This variant is present in population databases (rs541512953, gnomAD 0.01%). This variant has not been reported in the literature in individuals affected with BRCA1-related conditions. ClinVar contains an entry for this variant (Variation ID: 186786). Invitae Evidence Modeling of protein sequence and biophysical properties (such as structural, functional, and spatial information, amino acid conservation, physicochemical variation, residue mobility, and thermodynamic stability) indicates that this missense variant is not expected to disrupt BRCA1 protein function with a negative predictive value of 80%. In summary, the available evidence is currently insufficient to determine the role of this variant in disease. Therefore, it has been classified as a Variant of Uncertain Significance.

Color Diagnostics, LLC DBA Color Health
Classification: Uncertain significance for Hereditary cancer-predisposing syndrome. Last evaluated: 2025-06-24. Review status: criteria provided, single submitter. Criteria: ACMG Guidelines, 2015. Collection method: clinical testing. Allele origin: germline.
Comment: This missense variant replaces isoleucine with valine at codon 1433 of the BRCA1 protein. Computational prediction suggests that this variant may not impact protein structure and function. To our knowledge, functional studies have not been reported for this variant. This variant has not been reported in individuals affected with BRCA1-related disorders in the literature. This variant has been identified in 2/251428 chromosomes in the general population by the Genome Aggregation Database (gnomAD). The available evidence is insufficient to determine the role of this variant in disease conclusively. Therefore, this variant is classified as a Variant of Uncertain Significance.

Ambry Genetics
Classification: Uncertain significance for Hereditary cancer-predisposing syndrome. Last evaluated: 2024-08-04. Review status: criteria provided, single submitter. Criteria: Ambry Variant Classification Scheme 2023. Collection method: clinical testing. Allele origin: germline.
Comment: The p.I1433V variant (also known as c.4297A>G), located in coding exon 11 of the BRCA1 gene, results from an A to G substitution at nucleotide position 4297. The isoleucine at codon 1433 is replaced by valine, an amino acid with highly similar properties. This amino acid position is poorly conserved in available vertebrate species. In addition, this alteration is predicted to be tolerated by in silico analysis. Since supporting evidence is limited at this time, the clinical significance of this alteration remains unclear.

Quest Diagnostics Nichols Institute San Juan Capistrano
Classification: Uncertain significance. Last evaluated: 2023-11-15. Review status: criteria provided, single submitter. Criteria: Quest Diagnostics criteria. Collection method: clinical testing. Allele origin: unknown.
Comment: The BRCA1 c.4297A>G (p.Ile1433Val) variant has been reported in the published literature in a control individual in a large scale breast cancer association study (PMID: 33471991 (2021), see also LOVD). The frequency of this variant in the general population, 0.000008 (2/251428 chromosomes (Genome Aggregation Database)), is uninformative in the assessment of its pathogenicity. Analysis of this variant using bioinformatics tools for the prediction of the effect of amino acid changes on protein structure and function yielded predictions that this variant is benign. Additional analysis using software algorithms for the prediction of the effect of nucleotide changes on BRCA1 mRNA splicing yielded predictions that this variant may result in the gain of a cryptic splice site without affecting the natural splice sites. Based on the available information, we are unable to determine the clinical significance of this variant.

Myriad Genetics, Inc.
Classification: Likely benign for Breast-ovarian cancer, familial, susceptibility to, 1. Last evaluated: 2023-07-13. Review status: criteria provided, single submitter. Criteria: Myriad Autosomal Dominant, Autosomal Recessive and X-Linked Classification Criteria (2023). Collection method: clinical testing. Allele origin: unknown.
Comment: This variant is considered likely benign. This variant is strongly associated with less severe personal and family histories of cancer, typical for individuals without pathogenic variants in this gene [PMID: 25085752].

GeneDx
Classification: Uncertain significance. Last evaluated: 2016-11-11. Review status: criteria provided, single submitter. Criteria: GeneDx Variant Classification (06012015). Collection method: clinical testing. Allele origin: germline. Affected: yes.
Comment: This variant is denoted BRCA1 c.4297A>G at the cDNA level, p.Ile1433Val (I1433V) at the protein level, and results in the change of an Isoleucine to a Valine (ATA>GTA). Using alternate nomenclature, this variant would be defined as BRCA1 4416A>G. This variant has not, to our knowledge, been published in the literature as pathogenic or benign. BRCA1 Ile1433Val was not observed at a significant allele frequency in the NHLBI Exome Sequencing Project. Since Isoleucine and Valine share similar properties, this is considered a conservative amino acid substitution. BRCA1 Ile1433Val occurs at a position that is not conserved and is located in the SCD domain and region that binds multiple other proteins. (Chen 1998, Narod 2004, Clark 2012). While protein-based in silico analyses predict that this variant is unlikely to alter protein structure or function, multiple splicing models predict that this variant may create a strong cryptic splice donor site upstream of the natural splice donor site and lead to abnormal splicing. However, in the absence of RNA or functional studies, the actual effect of this variant is unknown. Based on currently available information, it is unclear whether BRCA1 Ile1433Val is pathogenic or benign. We consider it to be a variant of uncertain significance.

Literature cited by the submitters: PubMed 33471991 (cited by Quest Diagnostics Nichols Institute San Juan Capistrano); PubMed 25085752 (cited by Myriad Genetics, Inc.).